The following is an entry in ClinVar:

NM_000363.5(TNNI3):c.205C>T (p.Arg69Cys)

Gene: TNNI3 (troponin I3, cardiac type; minus strand). Cytogenetic location: 19q13.42.
Variant type: single nucleotide variant.
Coding change: c.205C>T on transcript NM_000363.5 (MANE Select); coding-DNA position 205, C replaced by T.
Protein change: p.Arg69Cys; replaces arginine 69 with cysteine.
Molecular consequence: missense variant.
Genome position (GRCh38, 1-based): chr19:55,156,278, G>A on the plus strand (C>T on the coding strand, the complement: TNNI3 is on the minus strand). VCF-style: chr19-55156278-G-A. GRCh37 (hg19) VCF-style: chr19-55667646-G-A.
Other names: short protein forms R69C.
Identifiers: ClinVar variation 4756867 (VCV004756867.1).

ClinVar aggregate classification (germline): Uncertain significance (1 of 4 stars; one submission).

Conditions:
Cardiomyopathy (CMYO). Also called: Cardiomyopathies. Identifiers: Orphanet 167848, MedGen C0878544, MONDO:0004994, HP:0001638. Inheritance: Various modes of inheritance.

Submission:

Color Diagnostics, LLC DBA Color Health
Classification: Uncertain significance for Cardiomyopathy. Last evaluated: 2025-06-09. Review status: criteria provided, single submitter. Criteria: ACMG Guidelines, 2015. Collection method: clinical testing. Allele origin: germline.
Comment: This missense variant replaces arginine with cysteine at codon 69 of the TNNI3 protein. Computational prediction suggests that this variant may not impact protein structure and function. To our knowledge, functional studies have not been reported for this variant. This variant has not been reported in individuals affected with TNNI3-related disorders in the literature. This variant has not been identified in the general population by the Genome Aggregation Database (gnomAD). The available evidence is insufficient to determine the role of this variant in disease conclusively. Therefore, this variant is classified as a Variant of Uncertain Significance.